The following is an entry in ClinVar:

ClinVar aggregate classification (germline): Uncertain significance. Review status: criteria provided, multiple submitters, no conflicts (2 of 4 stars). 2 submissions from 2 submitters: Uncertain significance (2). Last evaluated 2025-07-28.

Conditions:
SEMA3D-related disorder. Also called: SEMA3D-related condition.

Allele frequency attached by ClinVar (database versions not stated): ExAC 0.00003; TOPMed 0.00003; gnomAD 0.00004.
gnomAD v4.1: 45 of 1,609,132 alleles (0.0028%); highest among the groups gnomAD compares: Middle Eastern, 0.017%; no homozygotes.

Submissions (2):

PreventionGenetics, part of Exact Sciences
Classification: Uncertain significance for SEMA3D-related condition. Last evaluated: 2025-07-28. Review status: criteria provided, single submitter. Criteria: ACMG Guidelines, 2015. Collection method: clinical testing. Allele origin: germline.
Comment: The SEMA3D c.1762G>A variant is predicted to result in the amino acid substitution p.Glu588Lys. To our knowledge, this variant has not been reported in the literature. This variant is reported in 0.019% of alleles in individuals of African descent in gnomAD. At this time, the clinical significance of this variant is uncertain due to the absence of conclusive functional and genetic evidence.

Ambry Genetics
Classification: Uncertain significance. Last evaluated: 2021-07-06. Review status: criteria provided, single submitter. Criteria: Ambry Variant Classification Scheme 2023. Collection method: clinical testing. Allele origin: germline.

NM_001384900.1(SEMA3D):c.1762G>A (p.Glu588Lys)

Gene: SEMA3D (semaphorin 3D; minus strand). Cytogenetic location: 7q21.11.
Variant type: single nucleotide variant.
Coding change: c.1762G>A on transcript NM_001384900.1 (MANE Select); coding-DNA position 1762, G replaced by A.
Protein change: p.Glu588Lys; replaces glutamic acid 588 with lysine.
Molecular consequence: missense variant.
Genome position (GRCh38, 1-based): chr7:85,012,788, C>T on the plus strand (G>A on the coding strand, the complement: SEMA3D is on the minus strand). VCF-style: chr7-85012788-C-T. GRCh37 (hg19) VCF-style: chr7-84642104-C-T.
Other names: c.1762G>A, p.Glu588Lys (NM_001384901.1, NM_001384902.1, NM_001384903.1 and 1 more transcripts); short protein forms E588K.
Identifiers: ClinVar variation 2234970 (VCV002234970.3), dbSNP rs781759000, ClinGen allele CA4323300.
Genomic context (GRCh38, chr7:85,012,788, plus strand): 5'-AGAGTGGGCTTAGCATTTTAAATGGGAGAAAAAGCATATCAGAGCTGTACTTACTGTCTT[C>T]GATGTCCCAGCACTGGGTGATTGGGTCGCCATATTTTACATCTTGGCGTCTAGCTCTCCT-3'
Protein context (NP_001371829.1, residues 578-598): GDPITQCWDI[Glu588Lys]DSISHETADE